The following is an entry in ClinVar:

ClinVar aggregate classification (germline): Likely benign. Review status: criteria provided, multiple submitters, no conflicts (2 of 4 stars). 8 submissions from 8 submitters: Likely benign (8). Last evaluated 2025-12-18.

Conditions:
RYR1-related disorder. Also called: RYR1-related disorders; RYR1-related condition. Identifiers: MedGen CN239331.
Malignant hyperthermia, susceptibility to, 1 (MHS1). Also called: Anesthesia related hyperthermia; Malignant hyperpyrexia; Fulminating hyperpyrexia; Pharmacogenic myopathy; RYR1-Related Malignant Hyperthermia Susceptibility; Malignant hyperthermia suceptibility 1. Identifiers: Orphanet 423, MedGen C2930980, MONDO:0007783, OMIM 145600.

Allele frequency attached by ClinVar (database versions not stated): ExAC 0.00007; ESP Exome Variant Server 0.00008; gnomAD exomes 0.00008 and 0.00019; TOPMed 0.00012; 1000 Genomes Project 30x 0.00016; gnomAD 0.00017; 1000 Genomes Project 0.00020.
gnomAD v4.1: 312 of 1,612,888 alleles (0.019%); highest among the groups gnomAD compares: Non-Finnish European, 0.024%; no homozygotes.

Submissions (8):

Labcorp Genetics (formerly Invitae), Labcorp
Classification: Likely benign for RYR1-related disorder. Last evaluated: 2025-12-18. Review status: criteria provided, single submitter. Criteria: Invitae Variant Classification Sherloc (09022015). Collection method: clinical testing. Allele origin: germline.

PreventionGenetics, part of Exact Sciences
Classification: Likely benign for RYR1-related condition. Last evaluated: 2024-12-08. Review status: criteria provided, single submitter. Criteria: ACMG Guidelines, 2015. Collection method: clinical testing. Allele origin: germline.
Comment: This variant is classified as likely benign based on ACMG/AMP sequence variant interpretation guidelines (Richards et al. 2015 PMID: 25741868, with internal and published modifications).

All of Us Research Program, National Institutes of Health
Classification: Likely benign for Malignant hyperthermia, susceptibility to, 1. Last evaluated: 2023-12-18. Review status: criteria provided, single submitter. Criteria: ACMG Guidelines, 2015. Collection method: clinical testing. Allele origin: germline. Inheritance: Autosomal dominant inheritance. Observed: 46 variant alleles, 46 heterozygotes.
Comment: This study involves interpretation of variants in research participants for the purpose of population health screening. Participant phenotype was not available at the time of variant classification. Additional details can be found in publication PMID: 35346344, PMCID: PMC8962531

Athena Diagnostics
Classification: Likely benign. Last evaluated: 2023-10-30. Review status: criteria provided, single submitter. Criteria: Athena Diagnostics Criteria. Collection method: clinical testing. Allele origin: unknown.

Blueprint Genetics
Classification: Likely benign. Last evaluated: 2023-10-27. Review status: criteria provided, single submitter. Criteria: ACMG Guidelines, 2015. Collection method: clinical testing. Allele origin: germline.

Color Diagnostics, LLC DBA Color Health
Classification: Likely benign for Malignant hyperthermia, susceptibility to, 1. Last evaluated: 2022-10-11. Review status: criteria provided, single submitter. Criteria: ACMG Guidelines, 2015. Collection method: clinical testing. Allele origin: germline.

ARUP Laboratories, Molecular Genetics and Genomics, ARUP Laboratories
Classification: Likely benign. Last evaluated: 2022-02-04. Review status: criteria provided, single submitter. Criteria: ARUP Molecular Germline Variant Investigation Process 2021. Collection method: clinical testing. Allele origin: germline.

GeneDx
Classification: Likely benign. Last evaluated: 2016-07-28. Review status: criteria provided, single submitter. Criteria: GeneDx Variant Classification (06012015). Collection method: clinical testing. Allele origin: germline. Affected: yes.
Comment: This variant is considered likely benign or benign based on one or more of the following criteria: it is a conservative change, it occurs at a poorly conserved position in the protein, it is predicted to be benign by multiple in silico algorithms, and/or has population frequency not consistent with disease.

NM_000540.3(RYR1):c.5439G>A (p.Arg1813=)

Gene: RYR1 (ryanodine receptor 1; plus strand). Cytogenetic location: 19q13.2.
Variant type: single nucleotide variant.
Coding change: c.5439G>A on transcript NM_000540.3 (MANE Select); coding-DNA position 5439, G replaced by A.
Protein change: p.Arg1813=; no amino-acid change (arginine 1813 retained).
Molecular consequence: synonymous variant.
Genome position (GRCh38, 1-based): chr19:38,486,094, G>A. VCF-style: chr19-38486094-G-A. GRCh37 (hg19) VCF-style: chr19-38976734-G-A.
Other names: c.5439G>A, p.Arg1813= (NM_001042723.2).
Identifiers: ClinVar variation 387568 (VCV000387568.24), dbSNP rs147424734, ClinGen allele CA067095.